The following is an entry in ClinVar:

ClinVar aggregate classification (germline): Conflicting classifications of pathogenicity. Review status: criteria provided, conflicting classifications (1 of 4 stars). 6 submissions from 6 submitters: Uncertain significance (5); Likely benign (1). Last evaluated 2025-11-11.

Conditions:
FANCM-related disorder. Also called: FANCM-related condition.
Spermatogenic failure 28. Identifiers: MedGen C4748117, MONDO:0054732, OMIM 618086.
Premature ovarian failure 15. Identifiers: MedGen C4748170, MONDO:0054862, OMIM 618096.
Fanconi anemia (FA). Also called: Fanconi's anemia. Identifiers: Orphanet 84, MedGen C0015625, MeSH D005199, MONDO:0019391.

Allele frequency attached by ClinVar (database versions not stated): ExAC 0.00003; gnomAD exomes 0.00004; gnomAD 0.00006 and 0.00007; TOPMed 0.00008; ESP Exome Variant Server 0.00023.
gnomAD v4.1: 131 of 1,606,494 alleles (0.0082%); highest among the groups gnomAD compares: Non-Finnish European, 0.01%; 1 homozygote.

Submissions (6):

Labcorp Genetics (formerly Invitae), Labcorp
Classification: Uncertain significance for Fanconi anemia. Last evaluated: 2025-11-11. Review status: criteria provided, single submitter. Criteria: Invitae Variant Classification Sherloc (09022015). Collection method: clinical testing. Allele origin: germline.
Comment: This sequence change replaces isoleucine, which is neutral and non-polar, with threonine, which is neutral and polar, at codon 2048 of the FANCM protein (p.Ile2048Thr). This variant is present in population databases (rs150447576, gnomAD 0.006%). This variant has not been reported in the literature in individuals affected with FANCM-related conditions. ClinVar contains an entry for this variant (Variation ID: 850753). An algorithm developed to predict the effect of missense changes on protein structure and function outputs the following: PolyPhen-2: "Benign". The threonine amino acid residue is found in multiple mammalian species, which suggests that this missense change does not adversely affect protein function. In summary, the available evidence is currently insufficient to determine the role of this variant in disease. Therefore, it has been classified as a Variant of Uncertain Significance.

PreventionGenetics, part of Exact Sciences
Classification: Uncertain significance for FANCM-related condition. Last evaluated: 2025-07-23. Review status: criteria provided, single submitter. Criteria: ACMG Guidelines, 2015. Collection method: clinical testing. Allele origin: germline.
Comment: The FANCM c.6143T>C variant is predicted to result in the amino acid substitution p.Ile2048Thr. This variant was reported in an individual with high grade serous ovarian cancer (HGSOC), but also in two control individuals (Supplementary Table 7, Dicks et al. 2017. PubMed ID: 28881617). This variant was also detected in four individuals with breast cancer as well in six controls (Supplementary Material, Breast Cancer Association Consortium et al. 2021. PubMed ID: 33471991). Additionally, this variant was detected in an individual with cutaneous melanoma and at least two other primary cancers (Supplementary Material, Pritchard et al. 2018. PubMed ID: 29641532). This variant is reported in 0.0080% of alleles in individuals of African descent in gnomAD and is classified as a variant of uncertain significance in ClinVar (Variation ID: 850753). At this time, the clinical significance of this variant is uncertain due to the absence of conclusive functional and genetic evidence.

Quest Diagnostics Nichols Institute San Juan Capistrano
Classification: Uncertain significance. Last evaluated: 2025-02-19. Review status: criteria provided, single submitter. Criteria: Quest Diagnostics criteria. Collection method: clinical testing. Allele origin: unknown.

Blueprint Genetics
Classification: Likely benign. Last evaluated: 2024-08-06. Review status: criteria provided, single submitter. Criteria: ACMG Guidelines, 2015. Collection method: clinical testing. Allele origin: germline.

GeneDx
Classification: Uncertain significance. Last evaluated: 2024-07-22. Review status: criteria provided, single submitter. Criteria: GeneDx Variant Classification Process June 2021. Collection method: clinical testing. Allele origin: germline. Affected: yes.
Comment: In silico analysis indicates that this missense variant does not alter protein structure/function; Has not been previously published as pathogenic or benign to our knowledge; This variant is associated with the following publications: (PMID: 29641532)

Fulgent Genetics
Classification: Uncertain significance for Spermatogenic failure 28; Premature ovarian failure 15. Last evaluated: 2021-12-10. Review status: criteria provided, single submitter. Criteria: ACMG Guidelines, 2015. Collection method: clinical testing. Allele origin: unknown.

Literature cited by the submitters: PubMed 33471991 (cited by Quest Diagnostics Nichols Institute San Juan Capistrano); PubMed 28881617 (cited by Quest Diagnostics Nichols Institute San Juan Capistrano); PubMed 29641532 (cited by Quest Diagnostics Nichols Institute San Juan Capistrano); PubMed 36707629 (cited by Quest Diagnostics Nichols Institute San Juan Capistrano).

NM_020937.4(FANCM):c.6143T>C (p.Ile2048Thr)

Gene: FANCM (FA complementation group M; plus strand). Cytogenetic location: 14q21.2.
Variant type: single nucleotide variant.
Coding change: c.6143T>C on transcript NM_020937.4 (MANE Select); coding-DNA position 6143, T replaced by C.
Protein change: p.Ile2048Thr; replaces isoleucine 2048 with threonine.
Molecular consequence: missense variant.
Genome position (GRCh38, 1-based): chr14:45,200,004, T>C. VCF-style: chr14-45200004-T-C. GRCh37 (hg19) VCF-style: chr14-45669207-T-C.
Other names: c.6143T>C (NM_020937.3); c.6065T>C, p.Ile2022Thr (NM_001308133.2); short protein forms I2022T, I2048T.
Identifiers: ClinVar variation 850753 (VCV000850753.13), dbSNP rs150447576, ClinGen allele CA7170141.